The following is an entry in ClinVar:

NM_004523.4(KIF11):c.1867G>T (p.Glu623Ter)

Gene: KIF11 (kinesin family member 11; plus strand). Cytogenetic location: 10q23.33.
Variant type: single nucleotide variant.
Coding change: c.1867G>T on transcript NM_004523.4 (MANE Select); coding-DNA position 1867, G replaced by T.
Protein change: p.Glu623Ter; replaces glutamic acid 623 with a stop codon.
Molecular consequence: nonsense.
Genome position (GRCh38, 1-based): chr10:92,633,787, G>T. VCF-style: chr10-92633787-G-T. GRCh37 (hg19) VCF-style: chr10-94393544-G-T.
Other names: short protein forms E623*.
Identifiers: ClinVar variation 2708566 (VCV002708566.3), dbSNP rs2492521157, ClinGen allele CA377592878.

ClinVar aggregate classification (germline): Pathogenic (1 of 4 stars; one submission).

Submission:

Labcorp Genetics (formerly Invitae), Labcorp
Classification: Pathogenic. Last evaluated: 2025-12-05. Review status: criteria provided, single submitter. Criteria: Invitae Variant Classification Sherloc (09022015). Collection method: clinical testing. Allele origin: germline.
Comment: This sequence change creates a premature translational stop signal (p.Glu623*) in the KIF11 gene. It is expected to result in an absent or disrupted protein product. Loss-of-function variants in KIF11 are known to be pathogenic (PMID: 22284827, 24281367). This variant is not present in population databases (gnomAD no frequency). This variant has not been reported in the literature in individuals affected with KIF11-related conditions. ClinVar contains an entry for this variant (Variation ID: 2708566). Algorithms developed to predict the effect of sequence changes on RNA splicing suggest that this variant may disrupt the consensus splice site. For these reasons, this variant has been classified as Pathogenic.

Literature cited by the submitters: PubMed 22284827; PubMed 24281367.